The following is an entry in ClinVar:

ClinVar aggregate classification (germline): Uncertain significance (1 of 4 stars; one submission).

gnomAD v4.1: 2 of 1,614,046 alleles (0.00012%); highest among the groups gnomAD compares: African/African-American, 0.0027%; no homozygotes.

Submission:

Women's Health and Genetics/Laboratory Corporation of America, LabCorp
Classification: Uncertain significance. Last evaluated: 2026-01-21. Review status: criteria provided, single submitter. Criteria: LabCorp Variant Classification Summary - May 2015. Collection method: clinical testing. Allele origin: germline.
Comment: Variant summary: TRRAP c.5139C>G (p.Phe1713Leu) results in a non-conservative amino acid change in the encoded protein sequence. Algorithms developed to predict the effect of missense changes on protein structure and function are either unavailable or do not agree on the potential impact of this missense change. The variant was absent in 251486 control chromosomes. The available data on variant occurrences in the general population are insufficient to allow any conclusion about variant significance. To our knowledge, no occurrence of c.5139C>G in individuals affected with TRRAP-related conditions and no experimental evidence demonstrating its impact on protein function have been reported. No submitters have cited clinical-significance assessments for this variant to ClinVar. Based on the evidence outlined above, the variant was classified as uncertain significance.

NM_001375524.1(TRRAP):c.5214C>G (p.Phe1738Leu)

Genes: TRRAP (transformation/transcription domain associated protein; plus strand), LOC126860121 (MED14-independent group 3 enhancer GRCh37_chr7:98547245-98548444; plus strand). Cytogenetic location: 7q22.1.
Variant type: single nucleotide variant.
Coding change: c.5214C>G on transcript NM_001375524.1 (MANE Select); coding-DNA position 5214, C replaced by G.
Protein change: p.Phe1738Leu; replaces phenylalanine 1738 with leucine.
Molecular consequence: missense variant.
Genome position (GRCh38, 1-based): chr7:98,950,142, C>G. VCF-style: chr7-98950142-C-G. GRCh37 (hg19) VCF-style: chr7-98547765-C-G.
Other names: c.5193C>G, p.Phe1731Leu (NM_001244580.2); c.5139C>G, p.Phe1713Leu (NM_003496.4); short protein forms F1713L, F1731L, F1738L.
Identifiers: ClinVar variation 4689160 (VCV004689160.1).
Genomic context (GRCh38, chr7:98,950,142, plus strand): 5'-AGAATTGCTGTTCCAGCTGCTCCGAGCCTTTACTGGTCGTTTTCTCTGCAACATGACATT[C>G]TTAAAAGAGTATATGGAGGAAGAGATTCCCAAAAATTACAGCATCGCTCAGAAACGTGCC-3'
Protein context (NP_001362453.1, residues 1728-1748): FTGRFLCNMT[Phe1738Leu]LKEYMEEEIP